The following is an entry in ClinVar:

ClinVar aggregate classification (germline): Conflicting classifications of pathogenicity. Review status: criteria provided, conflicting classifications (1 of 4 stars). 7 submissions from 7 submitters: Pathogenic (1); Likely pathogenic (5); Uncertain significance (1). Last evaluated 2025-08-20.

Conditions:
Combined malonic and methylmalonic acidemia. Identifiers: Orphanet 289504, MedGen C3280314, MONDO:0013661, OMIM 614265.

Allele frequency attached by ClinVar (database versions not stated): gnomAD 0.00002; gnomAD exomes 0.00002 and 0.00005; TOPMed 0.00002; ExAC 0.00002.
gnomAD v4.1: 37 of 1,602,686 alleles (0.0023%); highest among the groups gnomAD compares: Non-Finnish European, 0.00034%; no homozygotes.

Submissions (7):

Natera, Inc.
Classification: Likely pathogenic for Combined malonic and methylmalonic aciduria. Last evaluated: 2025-08-20. Review status: criteria provided, single submitter. Criteria: Natera Variant Classification Schema (03/2026). Collection method: clinical testing. Allele origin: germline.
Comment: The c.1608G>A variant in ACSF3 is a nonsense variant predicted to introduce a stop codon at amino acid 536. This variant is expected to result in nonsense mediated decay, truncation, or a dysfunctional protein product. This variant is rare in the general population with a frequency below the threshold expected for the associated phenotype(s). Given the available evidence, this variant is classified as Likely Pathogenic.

Labcorp Genetics (formerly Invitae), Labcorp
Classification: Pathogenic for Combined malonic and methylmalonic acidemia. Last evaluated: 2025-08-07. Review status: criteria provided, single submitter. Criteria: Invitae Variant Classification Sherloc (09022015). Collection method: clinical testing. Allele origin: germline.
Comment: This sequence change creates a premature translational stop signal (p.Trp536*) in the ACSF3 gene. While this is not anticipated to result in nonsense mediated decay, it is expected to disrupt the last 41 amino acid(s) of the ACSF3 protein. This variant is present in population databases (rs201954387, gnomAD 0.1%). This variant has not been reported in the literature in individuals affected with ACSF3-related conditions. ClinVar contains an entry for this variant (Variation ID: 379920). This variant disrupts a region of the ACSF3 protein in which other variant(s) (p.Arg558Trp) have been determined to be pathogenic (PMID: 21841779, 26827111). This suggests that this is a clinically significant region of the protein, and that variants that disrupt it are likely to be disease-causing. For these reasons, this variant has been classified as Pathogenic.

GeneDx
Classification: Likely pathogenic. Last evaluated: 2025-06-25. Review status: criteria provided, single submitter. Criteria: GeneDx Variant Classification Process June 2021. Collection method: clinical testing. Allele origin: germline. Affected: yes.
Comment: Nonsense variant predicted to result in protein truncation, as the last 41 amino acid(s) are lost, and other loss-of-function variants have been reported downstream in HGMD; Reported in a fetus in which the parents were each identified as heterozygous carriers of a variant in the ACSF3 gene (PMID: 33625768); This variant is associated with the following publications: (PMID: 21841779, 33625768)

Dasa
Classification: Uncertain significance for Combined malonic and methylmalonic acidemia. Last evaluated: 2024-11-06. Review status: criteria provided, single submitter. Criteria: DASA Assertion Criteria. Collection method: clinical testing. Allele origin: germline.
Comment: NM_001243279.3(ACSF3):c.1608G>A (p.Trp536*) is a nonsense variant in ACSF3 predicted to introduce a premature termination codon and is predicted to result in an absent or altered protein product. This variant is rare in population databases. The currently available literature and clinical evidence are not sufficient to establish a definitive association between this variant and the reported condition. Therefore, this variant is classified as a variant of uncertain significance.

Baylor Genetics
Classification: Likely pathogenic for Combined malonic and methylmalonic acidemia. Last evaluated: 2024-03-14. Review status: criteria provided, single submitter. Criteria: ACMG Guidelines, 2015. Collection method: clinical testing. Allele origin: unknown.

Revvity Omics, Revvity
Classification: Likely pathogenic for Combined malonic and methylmalonic acidemia. Last evaluated: 2021-10-22. Review status: criteria provided, single submitter. Criteria: ACMG Guidelines, 2015. Collection method: clinical testing. Allele origin: germline.

Fulgent Genetics
Classification: Likely pathogenic for Combined malonic and methylmalonic acidemia. Last evaluated: 2021-07-22. Review status: criteria provided, single submitter. Criteria: ACMG Guidelines, 2015. Collection method: clinical testing. Allele origin: unknown.

Literature cited by the submitters: PubMed 21841779 (cited by Labcorp Genetics (formerly Invitae), Labcorp); PubMed 26827111 (cited by Labcorp Genetics (formerly Invitae), Labcorp).

NM_001243279.3(ACSF3):c.1608G>A (p.Trp536Ter)

Gene: ACSF3 (acyl-CoA synthetase family member 3; plus strand). Cytogenetic location: 16q24.3.
Variant type: single nucleotide variant.
Coding change: c.1608G>A on transcript NM_001243279.3 (MANE Select); coding-DNA position 1608, G replaced by A.
Protein change: p.Trp536Ter; replaces tryptophan 536 with a stop codon.
Molecular consequence: nonsense. On other transcripts: non-coding transcript variant (4).
Genome position (GRCh38, 1-based): chr16:89,146,044, G>A. VCF-style: chr16-89146044-G-A. GRCh37 (hg19) VCF-style: chr16-89212452-G-A.
Other names: c.1608G>A, p.Trp536Ter (NM_001127214.4, NM_174917.5); c.813G>A, p.Trp271Ter (NM_001284316.2); short protein forms W536*, W271*.
Identifiers: ClinVar variation 379920 (VCV000379920.25), dbSNP rs201954387, ClinGen allele CA8238301.